The following is an entry in ClinVar:

ClinVar aggregate classification (germline): Uncertain significance (1 of 4 stars; one submission).

Conditions:
Cardiovascular phenotype. Identifiers: MedGen CN230736.

Submission:

Ambry Genetics
Classification: Uncertain significance for Cardiovascular phenotype. Last evaluated: 2021-04-16. Review status: criteria provided, single submitter. Criteria: Ambry Variant Classification Scheme 2023. Collection method: clinical testing. Allele origin: germline.
Comment: The p.H434R variant (also known as c.1301A>G), located in coding exon 11 of the RAF1 gene, results from an A to G substitution at nucleotide position 1301. The histidine at codon 434 is replaced by arginine, an amino acid with highly similar properties. This amino acid position is highly conserved in available vertebrate species. In addition, this alteration is predicted to be deleterious by in silico analysis. Since supporting evidence is limited at this time, the clinical significance of this alteration remains unclear.

NM_002880.4(RAF1):c.1301A>G (p.His434Arg)

Gene: RAF1 (Raf-1 proto-oncogene, serine/threonine kinase; minus strand). Cytogenetic location: 3p25.2.
Variant type: single nucleotide variant.
Coding change: c.1301A>G on transcript NM_002880.4 (MANE Select); coding-DNA position 1301, A replaced by G.
Protein change: p.His434Arg; replaces histidine 434 with arginine.
Molecular consequence: missense variant. On other transcripts: non-coding transcript variant (3).
Genome position (GRCh38, 1-based): chr3:12,590,867, T>C on the plus strand (A>G on the coding strand, the complement: RAF1 is on the minus strand). VCF-style: chr3-12590867-T-C. GRCh37 (hg19) VCF-style: chr3-12632366-T-C.
Other names: c.1361A>G, p.His454Arg (NM_001354689.3); c.1301A>G, p.His434Arg (NM_001354690.3); c.1058A>G, p.His353Arg (NM_001354691.3, NM_001354692.3); c.1202A>G, p.His401Arg (NM_001354693.3); c.1118A>G, p.His373Arg (NM_001354694.3); c.959A>G, p.His320Arg (NM_001354695.3); short protein forms H373R, H353R, H434R, H320R, H401R, H454R.
Identifiers: ClinVar variation 1769413 (VCV001769413.2), dbSNP rs2125343102, ClinGen allele CA351501994.